The following is an entry in ClinVar:

NM_001204.7(BMPR2):c.2560G>A (p.Glu854Lys)

Gene: BMPR2 (bone morphogenetic protein receptor type 2; plus strand). Cytogenetic location: 2q33.2.
Variant type: single nucleotide variant.
Coding change: c.2560G>A on transcript NM_001204.7 (MANE Select); coding-DNA position 2560, G replaced by A.
Protein change: p.Glu854Lys; replaces glutamic acid 854 with lysine.
Molecular consequence: missense variant.
Genome position (GRCh38, 1-based): chr2:202,556,225, G>A. VCF-style: chr2-202556225-G-A. GRCh37 (hg19) VCF-style: chr2-203420948-G-A.
Other names: short protein forms E854K.
Identifiers: ClinVar variation 4824913 (VCV004824913.1).

ClinVar aggregate classification (germline): Uncertain significance (1 of 4 stars; one submission).

Conditions:
Inborn genetic diseases. Identifiers: MedGen C0950123, MeSH D030342.

Submission:

Ambry Genetics
Classification: Uncertain significance for Inborn genetic diseases. Last evaluated: 2026-01-23. Review status: criteria provided, single submitter. Criteria: Ambry Variant Classification Scheme 2023. Collection method: clinical testing. Allele origin: germline.
Comment: The p.E854K variant (also known as c.2560G>A), located in coding exon 12 of the BMPR2 gene, results from a G to A substitution at nucleotide position 2560. The glutamic acid at codon 854 is replaced by lysine, an amino acid with similar properties. This amino acid position is conserved. In addition, the in silico prediction for this alteration is inconclusive. Based on the available evidence, the clinical significance of this variant remains unclear.